The following is an entry in ClinVar:

NM_000368.5(TSC1):c.1824T>G (p.Phe608Leu)

Gene: TSC1 (TSC complex subunit 1; minus strand). Cytogenetic location: 9q34.13.
Variant type: single nucleotide variant.
Coding change: c.1824T>G on transcript NM_000368.5 (MANE Select); coding-DNA position 1824, T replaced by G.
Protein change: p.Phe608Leu; replaces phenylalanine 608 with leucine.
Molecular consequence: missense variant.
Genome position (GRCh38, 1-based): chr9:132,905,754, A>C on the plus strand (T>G on the coding strand, the complement: TSC1 is on the minus strand). VCF-style: chr9-132905754-A-C. GRCh37 (hg19) VCF-style: chr9-135781141-A-C.
Other names: c.1821T>G, p.Phe607Leu (NM_001162426.2, NM_001406608.1, NM_001406609.1 and 6 more transcripts); c.1671T>G, p.Phe557Leu (NM_001162427.2, NM_001406610.1); c.1461T>G, p.Phe487Leu (NM_001362177.2, NM_001406614.1, NM_001406615.1 and 5 more transcripts); c.1824T>G, p.Phe608Leu (NM_001406592.1, NM_001406593.1, NM_001406594.1 and 7 more transcripts); c.1668T>G, p.Phe556Leu (NM_001406611.1, NM_001406612.1, NM_001406613.1); c.1458T>G, p.Phe486Leu (NM_001406625.1, NM_001406620.1, NM_001406621.1 and 2 more transcripts); c.873T>G, p.Phe291Leu (NM_001406626.1); c.870T>G, p.Phe290Leu (NM_001406627.1, NM_001406628.1); and 1 more; short protein forms F486L, F556L, F257L, F557L, F607L, F608L, F290L, F291L.
Identifiers: ClinVar variation 2008180 (VCV002008180.4), dbSNP rs2131820855, ClinGen allele CA375363270.

ClinVar aggregate classification (germline): Uncertain significance (1 of 4 stars; one submission).

Conditions:
Tuberous sclerosis 1 (TSC1). Identifiers: Orphanet 805, MedGen C1854465, MONDO:0008612, OMIM 191100.

Submission:

Labcorp Genetics (formerly Invitae), Labcorp
Classification: Uncertain significance for Tuberous sclerosis 1. Last evaluated: 2023-04-23. Review status: criteria provided, single submitter. Criteria: Invitae Variant Classification Sherloc (09022015). Collection method: clinical testing. Allele origin: germline.
Comment: This variant has not been reported in the literature in individuals affected with TSC1-related conditions. This variant is not present in population databases (gnomAD no frequency). This sequence change replaces phenylalanine, which is neutral and non-polar, with leucine, which is neutral and non-polar, at codon 608 of the TSC1 protein (p.Phe608Leu). ClinVar contains an entry for this variant (Variation ID: 2008180). In summary, the available evidence is currently insufficient to determine the role of this variant in disease. Therefore, it has been classified as a Variant of Uncertain Significance. Advanced modeling of protein sequence and biophysical properties (such as structural, functional, and spatial information, amino acid conservation, physicochemical variation, residue mobility, and thermodynamic stability) performed at Invitae indicates that this missense variant is not expected to disrupt TSC1 protein function.